The following is an entry in ClinVar:

ClinVar aggregate classification (germline): Uncertain significance. Review status: criteria provided, multiple submitters, no conflicts (2 of 4 stars). 2 submissions from 2 submitters: Uncertain significance (2). Last evaluated 2025-08-24.

Conditions:
Inborn genetic diseases. Identifiers: MedGen C0950123, MeSH D030342.

Allele frequency attached by ClinVar (database versions not stated): ExAC 0.00006; gnomAD exomes 0.00007; gnomAD 0.00010; TOPMed 0.00014.
gnomAD v4.1: 115 of 1,612,404 alleles (0.0071%); highest among the groups gnomAD compares: African/African-American, 0.023%; no homozygotes.

Submissions (2):

Ambry Genetics
Classification: Uncertain significance for Inborn genetic diseases. Last evaluated: 2025-08-24. Review status: criteria provided, single submitter. Criteria: Ambry Variant Classification Scheme 2023. Collection method: clinical testing. Allele origin: germline.

Labcorp Genetics (formerly Invitae), Labcorp
Classification: Uncertain significance. Last evaluated: 2022-08-15. Review status: criteria provided, single submitter. Criteria: Invitae Variant Classification Sherloc (09022015). Collection method: clinical testing. Allele origin: germline.
Comment: This sequence change replaces arginine, which is basic and polar, with cysteine, which is neutral and slightly polar, at codon 242 of the PIBF1 protein (p.Arg242Cys). This variant is present in population databases (rs753442090, gnomAD 0.03%). This variant has not been reported in the literature in individuals affected with PIBF1-related conditions. Algorithms developed to predict the effect of missense changes on protein structure and function (SIFT, PolyPhen-2, Align-GVGD) all suggest that this variant is likely to be disruptive. In summary, the available evidence is currently insufficient to determine the role of this variant in disease. Therefore, it has been classified as a Variant of Uncertain Significance.

NM_006346.4(PIBF1):c.724C>T (p.Arg242Cys)

Gene: PIBF1 (progesterone immunomodulatory binding factor 1; plus strand). Cytogenetic location: 13q22.1.
Variant type: single nucleotide variant.
Coding change: c.724C>T on transcript NM_006346.4 (MANE Select); coding-DNA position 724, C replaced by T.
Protein change: p.Arg242Cys; replaces arginine 242 with cysteine.
Molecular consequence: missense variant. On other transcripts: non-coding transcript variant (2).
Genome position (GRCh38, 1-based): chr13:72,821,900, C>T. VCF-style: chr13-72821900-C-T. GRCh37 (hg19) VCF-style: chr13-73396038-C-T.
Other names: c.724C>T (NM_006346.2); c.724C>T, p.Arg242Cys (NM_001349655.2); short protein forms R242C.
Identifiers: ClinVar variation 2174920 (VCV002174920.4), dbSNP rs753442090, ClinGen allele CA7002033.
Genomic context (GRCh38, chr13:72,821,900, plus strand): 5'-GGTTTATAGACATATGAGGAAGATCGAAAAAACTACTCTGAAGTTCAAATTAGATGTCAA[C>T]GTTTGGCCTTAGAATTAGCAGACACAAAACAGTTAATTCAGCAAGGTGACTACCGTCAAG-3'
Protein context (NP_006337.2, residues 232-252): NYSEVQIRCQ[Arg242Cys]LALELADTKQ